The following is an entry in ClinVar:

ClinVar aggregate classification (germline): Uncertain significance (1 of 4 stars; one submission).

gnomAD v4.1: 17 of 1,614,102 alleles (0.0011%); highest among the groups gnomAD compares: Admixed American, 0.0017%; no homozygotes.

Submission:

Labcorp Genetics (formerly Invitae), Labcorp
Classification: Uncertain significance. Last evaluated: 2022-07-25. Review status: criteria provided, single submitter. Criteria: Invitae Variant Classification Sherloc (09022015). Collection method: clinical testing. Allele origin: germline.
Comment: ClinVar contains an entry for this variant (Variation ID: 1431011). In summary, the available evidence is currently insufficient to determine the role of this variant in disease. Therefore, it has been classified as a Variant of Uncertain Significance. Algorithms developed to predict the effect of missense changes on protein structure and function (SIFT, PolyPhen-2, Align-GVGD) all suggest that this variant is likely to be tolerated. This variant has not been reported in the literature in individuals affected with CASQ1-related conditions. This variant is present in population databases (rs771323825, gnomAD 0.003%). This sequence change replaces proline, which is neutral and non-polar, with histidine, which is basic and polar, at codon 9 of the CASQ1 protein (p.Pro9His).

NM_001231.5(CASQ1):c.26C>A (p.Pro9His)

Gene: CASQ1 (calsequestrin 1; plus strand). Cytogenetic location: 1q23.2.
Variant type: single nucleotide variant.
Coding change: c.26C>A on transcript NM_001231.5 (MANE Select); coding-DNA position 26, C replaced by A.
Protein change: p.Pro9His; replaces proline 9 with histidine.
Molecular consequence: missense variant.
Genome position (GRCh38, 1-based): chr1:160,190,777, C>A. VCF-style: chr1-160190777-C-A. GRCh37 (hg19) VCF-style: chr1-160160567-C-A.
Other names: short protein forms P9H.
Identifiers: ClinVar variation 1431011 (VCV001431011.8), dbSNP rs771323825, ClinGen allele CA1196052.